The following is an entry in ClinVar:

NM_002860.4(ALDH18A1):c.2207-3C>T

Gene: ALDH18A1 (aldehyde dehydrogenase 18 family member A1; minus strand). Cytogenetic location: 10q24.1.
Variant type: single nucleotide variant.
Coding change: c.2207-3C>T on transcript NM_002860.4 (MANE Select); 3 bases into the intron before coding-DNA position 2207, C replaced by T.
Molecular consequence: intron variant.
Genome position (GRCh38, 1-based): chr10:95,606,946, G>A on the plus strand (C>T on the coding strand, the complement: ALDH18A1 is on the minus strand). VCF-style: chr10-95606946-G-A. GRCh37 (hg19) VCF-style: chr10-97366703-G-A.
Other names: p.?; c.1571-3C>T (NM_001323419.2); c.1874-3C>T (NM_001323412.2, NM_001323416.2); c.2102-3C>T (NM_001323417.2); c.2201-3C>T (NM_001017423.2, NM_001323415.2); c.1868-3C>T (NM_001323418.2); c.2207-3C>T (NM_001323413.2, NM_001323414.2).
Identifiers: ClinVar variation 301756 (VCV000301756.68), dbSNP rs149309642, ClinGen allele CA5620106.
Genomic context (GRCh38, chr10:95,606,946, plus strand): 5'-TCAAGTCCTACTGGTCCCCGGGCGTGGATTCTCGATGTACTGATTCCCACTTCAGCTCCT[G>A]TGAAAAAGCATGAATAAAAGATGTAGCTTTTCCCAGCCTCTGCTTCCTGTCCATGCCCCA-3'

ClinVar aggregate classification (germline): Benign/Likely benign. Review status: criteria provided, multiple submitters, no conflicts (2 of 4 stars). 12 submissions from 12 submitters: Benign (2); Likely benign (8). 2 of the submissions do not count toward it. Last evaluated 2026-09-01.

Conditions:
ALDH18A1-related disorder. Also called: ALDH18A1-related disorders.
Hereditary spastic paraplegia. Also called: Familial spastic paraparesis. Identifiers: Orphanet 685, MedGen C0037773, MONDO:0019064. Disease mechanism: loss of function.
ALDH18A1-related de Barsy syndrome. Also called: DE BARSY SYNDROME A; Cutis laxa, autosomal recessive IIIA. Identifiers: Orphanet 2962, Orphanet 35664, MedGen C5234852, MONDO:0009053, OMIM 219150.
Cutis laxa, autosomal dominant 3 (ADCL3). Identifiers: Orphanet 90348, MedGen C4225268, MONDO:0014706, OMIM 616603.
de Barsy syndrome. Also called: Cutis laxa-corneal clouding-oligophrenia syndrome. Identifiers: Orphanet 2962, MedGen C0268354, MONDO:0017569.
Autosomal dominant spastic paraplegia type 9. Identifiers: MedGen C1832669, MONDO:0015091.

Allele frequency attached by ClinVar (database versions not stated): 1000 Genomes Project 0.00160; 1000 Genomes Project 30x 0.00187; ExAC 0.00440; gnomAD exomes 0.00453 and 0.00622; gnomAD 0.00457 and 0.00472; TOPMed 0.00490; ESP Exome Variant Server 0.00577.
gnomAD v4.1: 9,765 of 1,613,784 alleles (0.61%); highest among the groups gnomAD compares: Middle Eastern, 1.8%; 40 homozygotes.

Submissions (24):

CeGaT Center for Human Genetics Tuebingen
Classification: Likely benign. Last evaluated: 2026-09-01. Review status: criteria provided, single submitter. Criteria: CeGaT Center For Human Genetics Tuebingen Variant Classification Criteria Version 2. Collection method: clinical testing. Allele origin: germline. Affected: yes. Observed: 71 variant alleles.
Comment: ALDH18A1: BP4, BS2

Labcorp Genetics (formerly Invitae), Labcorp
Classification: Benign for Autosomal dominant spastic paraplegia type 9; de Barsy syndrome; Cutis laxa, autosomal dominant 3. Last evaluated: 2026-02-03. Review status: criteria provided, single submitter. Criteria: Invitae Variant Classification Sherloc (09022015). Collection method: clinical testing. Allele origin: germline.

Blueprint Genetics
Classification: Likely benign. Last evaluated: 2024-11-27. Review status: criteria provided, single submitter. Criteria: ACMG Guidelines, 2015. Collection method: clinical testing. Allele origin: germline.

Mayo Clinic Laboratories, Mayo Clinic
Classification: Benign. Last evaluated: 2023-04-03. Review status: criteria provided, single submitter. Criteria: ACMG Guidelines, 2015. Collection method: clinical testing. Allele origin: germline. Observed: 13 variant alleles.
Comment: BS1, BS2, BP4, BP7

Genome Diagnostics Laboratory, The Hospital for Sick Children
Classification: Likely benign for Hereditary spastic paraplegia. Last evaluated: 2020-12-29. Review status: criteria provided, single submitter. Criteria: ACMG Guidelines, 2015. Collection method: clinical testing. Allele origin: germline. Affected: yes.

Illumina Laboratory Services, Illumina
Classification: Likely benign for ALDH18A1-related de Barsy syndrome. Last evaluated: 2018-01-12. Review status: criteria provided, single submitter. Criteria: ICSL Variant Classification Criteria 13 December 2019. Collection method: clinical testing. Allele origin: germline.
Comment: This variant was observed in the ICSL laboratory as part of a predisposition screen in an ostensibly healthy population. It had not been previously curated by ICSL or reported in the Human Gene Mutation Database (HGMD: prior to June 1st, 2018), and was therefore a candidate for classification through an automated scoring system. Utilizing variant allele frequency, disease prevalence and penetrance estimates, and inheritance mode, an automated score was calculated to assess if this variant is too frequent to cause the disease. Based on the score and internal cut-off values, a variant classified as likely benign is not then subjected to further curation. The score for this variant resulted in a classification of likely benign for this disease.

GeneDx
Classification: Likely benign. Last evaluated: 2018-01-10. Review status: criteria provided, single submitter. Criteria: GeneDx Variant Classification (06012015). Collection method: clinical testing. Allele origin: germline. Affected: yes.
Comment: This variant is considered likely benign or benign based on one or more of the following criteria: it is a conservative change, it occurs at a poorly conserved position in the protein, it is predicted to be benign by multiple in silico algorithms, and/or has population frequency not consistent with disease.

Institute for Genomic Medicine (IGM) Clinical Laboratory, Nationwide Children's Hospital
Classification: Likely benign. Last evaluated: 2017-04-26. Review status: criteria provided, single submitter. Criteria: ACMG Guidelines, 2015. Collection method: clinical testing. Allele origin: germline.
Comment: BS1, BP6; This alteration has an allele frequency that is greater than expected for the associated disease, and was reported as a benign/likely benign alteration by a reputable source (ClinVar or other correspondence from a clinical testing laboratory).

Clinical Genetics DNA and cytogenetics Diagnostics Lab, Erasmus MC, Erasmus Medical Center
Classification: Likely benign for ALDH18A1-related de Barsy syndrome. Last evaluated: 2015-05-29. Review status: criteria provided, single submitter. Criteria: ACGS Guidelines, 2013. Collection method: clinical testing. Allele origin: germline. Affected: yes. Study: VKGL Data-share Consensus.

Breakthrough Genomics
Classification: Likely benign. Review status: criteria provided, single submitter. Criteria: ACMG Guidelines, 2015. Collection method: not provided. Allele origin: germline. Inheritance: Autosomal recessive inheritance. Affected: yes.

PreventionGenetics, part of Exact Sciences
Classification: Likely benign for ALDH18A1-related condition. Last evaluated: 2020-05-15. Review status: no assertion criteria provided. Collection method: clinical testing. Allele origin: germline. Not counted in ClinVar's aggregate classification.
Comment: This variant is classified as likely benign based on ACMG/AMP sequence variant interpretation guidelines (Richards et al. 2015 PMID: 25741868, with internal and published modifications).

Diagnostic Laboratory, Department of Genetics, University Medical Center Groningen
Classification: Likely benign for ALDH18A1-related de Barsy syndrome. Review status: no assertion criteria provided. Collection method: clinical testing. Allele origin: germline. Affected: yes. Study: VKGL Data-share Consensus. Not counted in ClinVar's aggregate classification.

Dr. Peter K. Rogan Lab, Western University
No classification provided (evidence only). Condition: Ovarian serous cystadenocarcinoma. Review status: no classification provided. Collection method: in vitro. Allele origin: not applicable. Functional consequence: retained intron. Not counted in ClinVar's aggregate classification.

Dr. Peter K. Rogan Lab, Western University
No classification provided (evidence only). Condition: Gastric cancer. Review status: no classification provided. Collection method: in vitro. Allele origin: not applicable. Functional consequence: retained intron. Not counted in ClinVar's aggregate classification.

Dr. Peter K. Rogan Lab, Western University
No classification provided (evidence only). Condition: Gastric cancer. Review status: no classification provided. Collection method: in vitro. Allele origin: not applicable. Functional consequence: retained intron. Not counted in ClinVar's aggregate classification.

Dr. Peter K. Rogan Lab, Western University
No classification provided (evidence only). Condition: Lymphoma. Review status: no classification provided. Collection method: in vitro. Allele origin: not applicable. Functional consequence: retained intron. Not counted in ClinVar's aggregate classification.

Dr. Peter K. Rogan Lab, Western University
No classification provided (evidence only). Condition: Clear cell carcinoma of kidney. Review status: no classification provided. Collection method: in vitro. Allele origin: not applicable. Functional consequence: retained intron. Not counted in ClinVar's aggregate classification.

Dr. Peter K. Rogan Lab, Western University
No classification provided (evidence only). Condition: Clear cell carcinoma of kidney. Review status: no classification provided. Collection method: in vitro. Allele origin: not applicable. Functional consequence: retained intron. Not counted in ClinVar's aggregate classification.

Dr. Peter K. Rogan Lab, Western University
No classification provided (evidence only). Condition: Melanoma. Review status: no classification provided. Collection method: in vitro. Allele origin: not applicable. Functional consequence: retained intron. Not counted in ClinVar's aggregate classification.

Dr. Peter K. Rogan Lab, Western University
No classification provided (evidence only). Condition: Colorectal cancer. Review status: no classification provided. Collection method: in vitro. Allele origin: not applicable. Functional consequence: retained intron. Not counted in ClinVar's aggregate classification.

Dr. Peter K. Rogan Lab, Western University
No classification provided (evidence only). Condition: Cervical cancer. Review status: no classification provided. Collection method: in vitro. Allele origin: not applicable. Functional consequence: retained intron. Not counted in ClinVar's aggregate classification.

Dr. Peter K. Rogan Lab, Western University
No classification provided (evidence only). Condition: Cervical cancer. Review status: no classification provided. Collection method: in vitro. Allele origin: not applicable. Functional consequence: retained intron. Not counted in ClinVar's aggregate classification.

Dr. Peter K. Rogan Lab, Western University
No classification provided (evidence only). Condition: Sarcoma. Review status: no classification provided. Collection method: in vitro. Allele origin: not applicable. Functional consequence: retained intron. Not counted in ClinVar's aggregate classification.

Dr. Peter K. Rogan Lab, Western University
No classification provided (evidence only). Condition: Ovarian serous cystadenocarcinoma. Review status: no classification provided. Collection method: in vitro. Allele origin: not applicable. Functional consequence: retained intron. Not counted in ClinVar's aggregate classification.